The following is an entry in ClinVar:

ClinVar aggregate classification (germline): Uncertain significance (1 of 4 stars; one submission).

Conditions:
Hereditary cancer-predisposing syndrome. Also called: Neoplastic Syndromes, Hereditary; Hereditary Cancer Syndrome; Tumor predisposition; Hereditary neoplastic syndrome. Identifiers: Orphanet 140162, MedGen C0027672, MeSH D009386, MONDO:0015356.

Allele frequency attached by ClinVar (database versions not stated): gnomAD exomes below 0.00001; TOPMed below 0.00001.
gnomAD v4.1: 1 of 1,612,648 alleles (0.000062%); highest among the groups gnomAD compares: Non-Finnish European, 0.000085%; no homozygotes.

Submission:

Ambry Genetics
Classification: Uncertain significance for Hereditary cancer-predisposing syndrome. Last evaluated: 2017-06-20. Review status: criteria provided, single submitter. Criteria: Ambry Variant Classification Scheme 2023. Collection method: clinical testing. Allele origin: germline.
Comment: The p.C2092G variant (also known as c.6274T>G), located in coding exon 42 of the ATM gene, results from a T to G substitution at nucleotide position 6274. The cysteine at codon 2092 is replaced by glycine, an amino acid with highly dissimilar properties. This amino acid position is not well conserved in available vertebrate species. In addition, this alteration is predicted to be tolerated by in silico analysis. Since supporting evidence is limited at this time, the clinical significance of this alteration remains unclear.

NM_000051.4(ATM):c.6274T>G (p.Cys2092Gly)

Genes: ATM (ATM serine/threonine kinase; plus strand), C11orf65 (chromosome 11 open reading frame 65; minus strand). Cytogenetic location: 11q22.3.
Variant type: single nucleotide variant.
Coding change: c.6274T>G on transcript NM_000051.4 (MANE Select); coding-DNA position 6274, T replaced by G.
Protein change: p.Cys2092Gly; replaces cysteine 2092 with glycine.
Molecular consequence: missense variant. On other transcripts: intron variant (2).
Genome position (GRCh38, 1-based): chr11:108,317,448, T>G. VCF-style: chr11-108317448-T-G. GRCh37 (hg19) VCF-style: chr11-108188175-T-G.
Other names: c.6274T>G, p.Cys2092Gly (NM_001351834.2); c.641-8377A>C (NM_001330368.2); c.*39-8377A>C (NM_001351110.2); short protein forms C2092G.
Identifiers: ClinVar variation 479102 (VCV000479102.7), dbSNP rs1555114711, ClinGen allele CA382551970.